The following is an entry in ClinVar:

ClinVar aggregate classification (germline): Uncertain significance. Review status: criteria provided, multiple submitters, no conflicts (2 of 4 stars). 4 submissions from 4 submitters: Uncertain significance (4). Last evaluated 2025-09-25.

Conditions:
Inborn genetic diseases. Identifiers: MedGen C0950123, MeSH D030342.

Allele frequency attached by ClinVar (database versions not stated): gnomAD 0.00001; gnomAD exomes 0.00001; TOPMed 0.00001.
gnomAD v4.1: 10 of 1,612,358 alleles (0.00062%); highest among the groups gnomAD compares: Non-Finnish European, 0.00076%; no homozygotes.

Submissions (4):

Ambry Genetics
Classification: Uncertain significance for Inborn genetic diseases. Last evaluated: 2025-09-25. Review status: criteria provided, single submitter. Criteria: Ambry Variant Classification Scheme 2023. Collection method: clinical testing. Allele origin: germline.

Labcorp Genetics (formerly Invitae), Labcorp
Classification: Uncertain significance. Last evaluated: 2025-09-19. Review status: criteria provided, single submitter. Criteria: Invitae Variant Classification Sherloc (09022015). Collection method: clinical testing. Allele origin: germline.
Comment: This sequence change replaces alanine, which is neutral and non-polar, with valine, which is neutral and non-polar, at codon 740 of the CACNA1E protein (p.Ala740Val). This variant is present in population databases (no rsID available, gnomAD 0.0009%). This variant has not been reported in the literature in individuals affected with CACNA1E-related conditions. ClinVar contains an entry for this variant (Variation ID: 1900163). Invitae Evidence Modeling of protein sequence and biophysical properties (such as structural, functional, and spatial information, amino acid conservation, physicochemical variation, residue mobility, and thermodynamic stability) has been performed for this missense variant. However, the output from this modeling did not meet the statistical confidence thresholds required to predict the impact of this variant on CACNA1E protein function. In summary, the available evidence is currently insufficient to determine the role of this variant in disease. Therefore, it has been classified as a Variant of Uncertain Significance.

GeneDx
Classification: Uncertain significance. Last evaluated: 2024-12-18. Review status: criteria provided, single submitter. Criteria: GeneDx Variant Classification Process June 2021. Collection method: clinical testing. Allele origin: germline. Affected: yes.
Comment: In silico analysis supports that this missense variant has a deleterious effect on protein structure/function; Has not been previously published as pathogenic or benign to our knowledge

CeGaT Center for Human Genetics Tuebingen
Classification: Uncertain significance. Last evaluated: 2023-11-01. Review status: criteria provided, single submitter. Criteria: CeGaT Center For Human Genetics Tuebingen Variant Classification Criteria Version 2. Collection method: clinical testing. Allele origin: germline. Affected: yes. Observed: 1 variant allele.
Comment: CACNA1E: PM2

NM_001205293.3(CACNA1E):c.2219C>T (p.Ala740Val)

Gene: CACNA1E (calcium voltage-gated channel subunit alpha1 E; plus strand). Cytogenetic location: 1q25.3.
Variant type: single nucleotide variant.
Coding change: c.2219C>T on transcript NM_001205293.3 (MANE Select); coding-DNA position 2219, C replaced by T.
Protein change: p.Ala740Val; replaces alanine 740 with valine.
Molecular consequence: missense variant.
Genome position (GRCh38, 1-based): chr1:181,726,141, C>T. VCF-style: chr1-181726141-C-T. GRCh37 (hg19) VCF-style: chr1-181695277-C-T.
Other names: c.2219C>T (NM_000721.3, NM_001205293.1); c.2219C>T, p.Ala740Val (NM_000721.4, NM_001205294.2); short protein forms A740V.
Identifiers: ClinVar variation 1900163 (VCV001900163.29), dbSNP rs1399871557, ClinGen allele CA343628775.
Genomic context (GRCh38, chr1:181,726,141, plus strand): 5'-AAGAGGCCTTCAACCAGAAACATGCACTGCAGAAGGCCAAGGAGGTCAGCCCGATGTCTG[C>T]ACCCAACATGCCTTCGATCGAGTGAGTCAGCTGCCCCCTTCACTGATCCCTGAGCTCCTG-3'
Protein context (NP_001192222.1, residues 730-750): QKAKEVSPMS[Ala740Val]PNMPSIERDR